The following is an entry in ClinVar:

ClinVar aggregate classification (germline): Uncertain significance (1 of 4 stars; one submission).

Submission:

Labcorp Genetics (formerly Invitae), Labcorp
Classification: Uncertain significance. Last evaluated: 2022-03-23. Review status: criteria provided, single submitter. Criteria: Invitae Variant Classification Sherloc (09022015). Collection method: clinical testing. Allele origin: germline.
Comment: In summary, the available evidence is currently insufficient to determine the role of this variant in disease. Therefore, it has been classified as a Variant of Uncertain Significance. Advanced modeling of protein sequence and biophysical properties (such as structural, functional, and spatial information, amino acid conservation, physicochemical variation, residue mobility, and thermodynamic stability) performed at Invitae indicates that this missense variant is not expected to disrupt CACNA1E protein function. This variant has not been reported in the literature in individuals affected with CACNA1E-related conditions. This variant is not present in population databases (gnomAD no frequency). This sequence change replaces leucine, which is neutral and non-polar, with arginine, which is basic and polar, at codon 876 of the CACNA1E protein (p.Leu876Arg).

NM_001205293.3(CACNA1E):c.2627T>G (p.Leu876Arg)

Gene: CACNA1E (calcium voltage-gated channel subunit alpha1 E; plus strand). Cytogenetic location: 1q25.3.
Variant type: single nucleotide variant.
Coding change: c.2627T>G on transcript NM_001205293.3 (MANE Select); coding-DNA position 2627, T replaced by G.
Protein change: p.Leu876Arg; replaces leucine 876 with arginine.
Molecular consequence: missense variant.
Genome position (GRCh38, 1-based): chr1:181,732,713, T>G. VCF-style: chr1-181732713-T-G. GRCh37 (hg19) VCF-style: chr1-181701849-T-G.
Other names: c.2627T>G, p.Leu876Arg (NM_000721.4); c.2570T>G, p.Leu857Arg (NM_001205294.2); short protein forms L857R, L876R.
Identifiers: ClinVar variation 2162687 (VCV002162687.4), dbSNP rs1347007977, ClinGen allele CA343618218.
Genomic context (GRCh38, chr1:181,732,713, plus strand): 5'-TCAAGGGGGATGGAGGGGACCGATCCAGTGCCCTGGACAACCAGAGGACCCCTTTGTCCC[T>G]GGGCCAGCGGGAGCCACCATGGCTGGCCAGGCCCTGTCATGGAAACTGTGACCCGACTCA-3'
Protein context (NP_001192222.1, residues 866-886): ALDNQRTPLS[Leu876Arg]GQREPPWLAR